The following is an entry in ClinVar:

NM_003924.4(PHOX2B):c.745_746insGGCGGCCGCGGC (p.Ala249delinsGlyArgProArgPro)

Genes: PHOX2B (paired like homeobox 2B; minus strand), LOC110011216 (paired like homeobox 2b polyalanine repeat instability region; plus strand). Cytogenetic location: 4p13.
Variant type: Insertion.
Coding change: c.745_746insGGCGGCCGCGGC on transcript NM_003924.4 (MANE Select); coding-DNA positions 745 to 746, GGCGGCCGCGGC inserted.
Protein change: p.Ala249delinsGlyArgProArgPro.
Molecular consequence: inframe indel.
Genome position: GRCh38 VCF-style: chr4-41746006-G-GGCCGCGGCCGCC. GRCh37 (hg19) VCF-style: chr4-41748023-G-GGCCGCGGCCGCC.
Identifiers: ClinVar variation 2500234 (VCV002500234.2), dbSNP rs2552096816, ClinGen allele CA2580071008.

ClinVar aggregate classification (germline): Likely pathogenic (1 of 4 stars; one submission).

Conditions:
Neuroblastoma, susceptibility to, 2. Identifiers: Orphanet 635, MedGen C2751682, MONDO:0700041, OMIM 613013.
Central hypoventilation syndrome, congenital, 1, with or without Hirschsprung disease (CCHS1). Also called: AUTONOMIC CONTROL, CONGENITAL FAILURE OF; ONDINE CURSE, CONGENITAL; Congenital Central Hypoventilation Syndrome (CCHS); CENTRAL HYPOVENTILATION SYNDROME, CONGENITAL, 1; Central hypoventilation syndrome, congenital, 1, with or without Hirschsprung. Identifiers: Orphanet 661, MedGen C5562075, MONDO:0800026, OMIM 209880.

Submission:

Center for Genomics, Ann and Robert H. Lurie Children's Hospital of Chicago
Classification: Likely pathogenic for Neuroblastoma, susceptibility to, 2; Central hypoventilation syndrome, congenital, 1, with or without Hirschsprung disease. Review status: criteria provided, single submitter. Criteria: ACMG Guidelines, 2015. Collection method: clinical testing. Allele origin: germline.
Comment: Normally the PHOX2B gene contain a polyalanine repeat coding region in exon 3 which codes for 20 consecutive alanines. Expansions of the polyalanine repeat coding region is expected to result in symptoms of CCHS, but a repeat size of 24 polyalanine is associated with a reduced penetrance, possibly leading to a mild phenotype.